The following is an entry in ClinVar:

NM_001080517.3(SETD5):c.1403A>T (p.Glu468Val)

Gene: SETD5 (SET domain containing 5; plus strand). Cytogenetic location: 3p25.3.
Variant type: single nucleotide variant.
Coding change: c.1403A>T on transcript NM_001080517.3 (MANE Select); coding-DNA position 1403, A replaced by T.
Protein change: p.Glu468Val; replaces glutamic acid 468 with valine.
Molecular consequence: missense variant.
Genome position (GRCh38, 1-based): chr3:9,445,263, A>T. VCF-style: chr3-9445263-A-T. GRCh37 (hg19) VCF-style: chr3-9486947-A-T.
Other names: c.1109A>T, p.Glu370Val (NM_001292043.2, NM_001349451.2); short protein forms E370V, E468V.
Identifiers: ClinVar variation 1706996 (VCV001706996.4), dbSNP rs1451262448, ClinGen allele CA351693666.

ClinVar aggregate classification (germline): Uncertain significance. Review status: criteria provided, multiple submitters, no conflicts (2 of 4 stars). 2 submissions from 2 submitters: Uncertain significance (2). Last evaluated 2026-03-19.

Conditions:
Inborn genetic diseases. Identifiers: MedGen C0950123, MeSH D030342.

Allele frequency attached by ClinVar (database versions not stated): gnomAD exomes below 0.00001; TOPMed 0.00001; gnomAD 0.00001.
gnomAD v4.1: 2 of 1,608,968 alleles (0.00012%); highest among the groups gnomAD compares: Admixed American, 0.0034%; no homozygotes.

Submissions (2):

Ambry Genetics
Classification: Uncertain significance for Inborn genetic diseases. Last evaluated: 2026-03-19. Review status: criteria provided, single submitter. Criteria: Ambry Variant Classification Scheme 2023. Collection method: clinical testing. Allele origin: germline.
Comment: The c.1403A>T (p.E468V) alteration is located in exon 12 (coding exon 10) of the SETD5 gene. This alteration results from a A to T substitution at nucleotide position 1403, causing the glutamic acid (E) at amino acid position 468 to be replaced by a valine (V). Based on data from gnomAD, the T allele has an overall frequency of <0.001% (1/238210) total alleles studied. The highest observed frequency was 0.003% (1/33170) of Latino alleles. Based on insufficient or conflicting evidence, the clinical significance of this alteration remains unclear.

GeneDx
Classification: Uncertain significance. Last evaluated: 2023-03-17. Review status: criteria provided, single submitter. Criteria: GeneDx Variant Classification Process June 2021. Collection method: clinical testing. Allele origin: germline. Affected: yes.
Comment: Has not been previously published as pathogenic or benign to our knowledge; Not observed at significant frequency in large population cohorts (gnomAD); In silico analysis supports that this missense variant does not alter protein structure/function